The following is an entry in ClinVar:

ClinVar aggregate classification (germline): Uncertain significance (1 of 4 stars; one submission).

Submission:

Labcorp Genetics (formerly Invitae), Labcorp
Classification: Uncertain significance. Last evaluated: 2023-10-24. Review status: criteria provided, single submitter. Criteria: Invitae Variant Classification Sherloc (09022015). Collection method: clinical testing. Allele origin: germline.
Comment: This sequence change replaces histidine, which is basic and polar, with asparagine, which is neutral and polar, at codon 3518 of the HMCN1 protein (p.His3518Asn). This variant is not present in population databases (gnomAD no frequency). This variant has not been reported in the literature in individuals affected with HMCN1-related conditions. An algorithm developed to predict the effect of missense changes on protein structure and function (PolyPhen-2) suggests that this variant is likely to be tolerated. In summary, the available evidence is currently insufficient to determine the role of this variant in disease. Therefore, it has been classified as a Variant of Uncertain Significance.

NM_031935.3(HMCN1):c.10552C>A (p.His3518Asn)

Gene: HMCN1 (hemicentin 1; plus strand). Cytogenetic location: 1q31.1.
Variant type: single nucleotide variant.
Coding change: c.10552C>A on transcript NM_031935.3 (MANE Select); coding-DNA position 10552, C replaced by A.
Protein change: p.His3518Asn; replaces histidine 3518 with asparagine.
Molecular consequence: missense variant.
Genome position (GRCh38, 1-based): chr1:186,095,500, C>A. VCF-style: chr1-186095500-C-A. GRCh37 (hg19) VCF-style: chr1-186064632-C-A.
Other names: short protein forms H3518N.
Identifiers: ClinVar variation 2771657 (VCV002771657.3), dbSNP rs2527934420, ClinGen allele CA343931449.